The following is an entry in ClinVar:

ClinVar aggregate classification (germline): Likely pathogenic (1 of 4 stars; one submission).

Conditions:
Nemaline myopathy 2 (NEM2). Also called: Nemaline myopathy 2, autosomal recessive. Identifiers: MedGen C1850569, MONDO:0009725, OMIM 256030.

Submission:

Labcorp Genetics (formerly Invitae), Labcorp
Classification: Likely pathogenic for Nemaline myopathy 2. Last evaluated: 2022-04-11. Review status: criteria provided, single submitter. Criteria: Invitae Variant Classification Sherloc (09022015). Collection method: clinical testing. Allele origin: germline.
Comment: In summary, the currently available evidence indicates that the variant is pathogenic, but additional data are needed to prove that conclusively. Therefore, this variant has been classified as Likely Pathogenic. Algorithms developed to predict the effect of sequence changes on RNA splicing suggest that this variant may disrupt the consensus splice site. ClinVar contains an entry for this variant (Variation ID: 1066037). This variant has not been reported in the literature in individuals affected with NEB-related conditions. This variant is not present in population databases (gnomAD no frequency). This sequence change affects a donor splice site in intron 177 of the NEB gene. It is expected to disrupt RNA splicing. Variants that disrupt the donor or acceptor splice site typically lead to a loss of protein function (PMID: 16199547), and loss-of-function variants in NEB are known to be pathogenic (PMID: 25205138).

Literature cited by the submitters: PubMed 16199547; PubMed 25205138.

NM_001164508.2(NEB):c.24765+1G>A

Genes: NEB (nebulin; minus strand), RIF1 (replication timing regulatory factor 1; plus strand). Cytogenetic location: 2q23.3.
Variant type: single nucleotide variant.
Coding change: c.24765+1G>A on transcript NM_001164508.2 (MANE Select); the canonical splice donor site of the intron after coding-DNA position 24765, G replaced by A.
Molecular consequence: splice donor variant.
Genome position (GRCh38, 1-based): chr2:151,493,352, C>T on the plus strand (G>A on the coding strand, the complement: NEB is on the minus strand). VCF-style: chr2-151493352-C-T. GRCh37 (hg19) VCF-style: chr2-152349866-C-T.
Other names: c.19197+1G>A (NM_004543.5); c.24765+1G>A (NM_001164507.2); c.24870+1G>A (NM_001271208.2).
Identifiers: ClinVar variation 1066037 (VCV001066037.7), dbSNP rs2058028669, ClinGen allele CA348774556.